The following is an entry in ClinVar:

ClinVar aggregate classification (germline): Uncertain significance. Review status: criteria provided, multiple submitters, no conflicts (2 of 4 stars). 2 submissions from 2 submitters: Uncertain significance (2). Last evaluated 2025-09-16.

Allele frequency attached by ClinVar (database versions not stated): gnomAD exomes below 0.00001.
gnomAD v4.1: 6 of 1,613,850 alleles (0.00037%); highest among the groups gnomAD compares: East Asian, 0.0022%; no homozygotes.

Submissions (2):

Women's Health and Genetics/Laboratory Corporation of America, LabCorp
Classification: Uncertain significance. Last evaluated: 2025-09-16. Review status: criteria provided, single submitter. Criteria: LabCorp Variant Classification Summary - May 2015. Collection method: clinical testing. Allele origin: germline.
Comment: Variant summary: ABCA4 c.806A>G (p.Asn269Ser) results in a conservative amino acid change in the encoded protein sequence. Algorithms developed to predict the effect of missense changes on protein structure and function are either unavailable or do not agree on the potential impact of this missense change. The variant allele was found at a frequency of 4e-06 in 251228 control chromosomes. The available data on variant occurrences in the general population are insufficient to allow any conclusion about variant significance. c.806A>G has been observed in the presumed compound heterozygous state with a likely benign/benign variant in at least 1 individual(s) affected with retinal dystrophy, without strong evidence of causality (example, Mizobuchi_2024). These report(s) do not provide unequivocal conclusions about association of the variant with Retinitis Pigmentosa. To our knowledge, no experimental evidence demonstrating an impact on protein function has been reported. The following publication has been ascertained in the context of this evaluation (PMID: 38499139). ClinVar contains an entry for this variant (Variation ID: 1433337). Based on the evidence outlined above, the variant was classified as uncertain significance.

Labcorp Genetics (formerly Invitae), Labcorp
Classification: Uncertain significance. Last evaluated: 2023-12-11. Review status: criteria provided, single submitter. Criteria: Invitae Variant Classification Sherloc (09022015). Collection method: clinical testing. Allele origin: germline.
Comment: This sequence change replaces asparagine, which is neutral and polar, with serine, which is neutral and polar, at codon 269 of the ABCA4 protein (p.Asn269Ser). This variant is present in population databases (no rsID available, gnomAD 0.003%). This variant has not been reported in the literature in individuals affected with ABCA4-related conditions. ClinVar contains an entry for this variant (Variation ID: 1433337). Advanced modeling of protein sequence and biophysical properties (such as structural, functional, and spatial information, amino acid conservation, physicochemical variation, residue mobility, and thermodynamic stability) performed at Invitae indicates that this missense variant is not expected to disrupt ABCA4 protein function with a negative predictive value of 95%. In summary, the available evidence is currently insufficient to determine the role of this variant in disease. Therefore, it has been classified as a Variant of Uncertain Significance.

Literature cited by the submitters: PubMed 38499139 (cited by Women's Health and Genetics/Laboratory Corporation of America, LabCorp).

NM_000350.3(ABCA4):c.806A>G (p.Asn269Ser)

Gene: ABCA4 (ATP binding cassette subfamily A member 4; minus strand). Cytogenetic location: 1p22.1.
Variant type: single nucleotide variant.
Coding change: c.806A>G on transcript NM_000350.3 (MANE Select); coding-DNA position 806, A replaced by G.
Protein change: p.Asn269Ser; replaces asparagine 269 with serine.
Molecular consequence: missense variant.
Genome position (GRCh38, 1-based): chr1:94,083,404, T>C on the plus strand (A>G on the coding strand, the complement: ABCA4 is on the minus strand). VCF-style: chr1-94083404-T-C. GRCh37 (hg19) VCF-style: chr1-94548960-T-C.
Other names: c.806A>G, p.Asn269Ser (NM_001425324.1); short protein forms N269S.
Identifiers: ClinVar variation 1433337 (VCV001433337.7), dbSNP rs1338260475, ClinGen allele CA341285100.